The following is an entry in ClinVar:

ClinVar aggregate classification (germline): Uncertain significance. Review status: criteria provided, multiple submitters, no conflicts (2 of 4 stars). 3 submissions from 3 submitters: Uncertain significance (3). Last evaluated 2026-01-05.

Conditions:
Ullrich congenital muscular dystrophy 2 (UCMD2). Identifiers: Orphanet 75840, MedGen C4225314, MONDO:0014654, OMIM 616470.
Bethlem myopathy 2 (BTHLM2). Identifiers: Orphanet 536516, Orphanet 610, MedGen C4225313, MONDO:0034022, OMIM 616471.

Allele frequency attached by ClinVar (database versions not stated): gnomAD 0.00001.
gnomAD v4.1: 2 of 1,613,998 alleles (0.00012%); highest among the groups gnomAD compares: Non-Finnish European, 0.00017%; no homozygotes.

Submissions (3):

Labcorp Genetics (formerly Invitae), Labcorp
Classification: Uncertain significance for Bethlem myopathy 2; Ullrich congenital muscular dystrophy 2. Last evaluated: 2026-01-05. Review status: criteria provided, single submitter. Criteria: Invitae Variant Classification Sherloc (09022015). Collection method: clinical testing. Allele origin: germline.
Comment: This sequence change replaces glutamic acid, which is acidic and polar, with glycine, which is neutral and non-polar, at codon 1868 of the COL12A1 protein (p.Glu1868Gly). This variant is present in population databases (no rsID available, gnomAD 0.0009%). This variant has not been reported in the literature in individuals affected with COL12A1-related conditions. ClinVar contains an entry for this variant (Variation ID: 963874). Invitae Evidence Modeling of protein sequence and biophysical properties (such as structural, functional, and spatial information, amino acid conservation, physicochemical variation, residue mobility, and thermodynamic stability) has been performed for this missense variant. However, the output from this modeling did not meet the statistical confidence thresholds required to predict the impact of this variant on COL12A1 protein function. In summary, the available evidence is currently insufficient to determine the role of this variant in disease. Therefore, it has been classified as a Variant of Uncertain Significance.

GeneDx
Classification: Uncertain significance. Last evaluated: 2024-11-07. Review status: criteria provided, single submitter. Criteria: GeneDx Variant Classification Process June 2021. Collection method: clinical testing. Allele origin: germline. Affected: yes.
Comment: Has not been previously published as pathogenic or benign to our knowledge; Not observed at significant frequency in large population cohorts (gnomAD); In silico analysis supports that this missense variant has a deleterious effect on protein structure/function

Mayo Clinic Laboratories, Mayo Clinic
Classification: Uncertain significance. Last evaluated: 2023-03-21. Review status: criteria provided, single submitter. Criteria: ACMG Guidelines, 2015. Collection method: clinical testing. Allele origin: germline. Observed: 1 variant allele.
Comment: BP4, PM2_supporting

NM_004370.6(COL12A1):c.5603A>G (p.Glu1868Gly)

Gene: COL12A1 (collagen type XII alpha 1 chain; minus strand). Cytogenetic location: 6q13.
Variant type: single nucleotide variant.
Coding change: c.5603A>G on transcript NM_004370.6 (MANE Select); coding-DNA position 5603, A replaced by G.
Protein change: p.Glu1868Gly; replaces glutamic acid 1868 with glycine.
Molecular consequence: missense variant.
Genome position (GRCh38, 1-based): chr6:75,133,919, T>C on the plus strand (A>G on the coding strand, the complement: COL12A1 is on the minus strand). VCF-style: chr6-75133919-T-C. GRCh37 (hg19) VCF-style: chr6-75843635-T-C.
Other names: p.Glu1868Gly; c.2111A>G, p.Glu704Gly (NM_080645.3); short protein forms E704G, E1868G.
Identifiers: ClinVar variation 963874 (VCV000963874.16), dbSNP rs1370422060, ClinGen allele CA364735050.